The following is an entry in ClinVar:

NM_004444.5(EPHB4):c.589T>G (p.Cys197Gly)

Gene: EPHB4 (EPH receptor B4; minus strand). Cytogenetic location: 7q22.1.
Variant type: single nucleotide variant.
Coding change: c.589T>G on transcript NM_004444.5 (MANE Select); coding-DNA position 589, T replaced by G.
Protein change: p.Cys197Gly; replaces cysteine 197 with glycine.
Molecular consequence: missense variant.
Genome position (GRCh38, 1-based): chr7:100,822,490, A>C on the plus strand (T>G on the coding strand, the complement: EPHB4 is on the minus strand). VCF-style: chr7-100822490-A-C. GRCh37 (hg19) VCF-style: chr7-100420112-A-C.
Other names: short protein forms C197G.
Identifiers: ClinVar variation 2704988 (VCV002704988.3), dbSNP rs1476077876, ClinGen allele CA368581191.
Genomic context (GRCh38, chr7:100,822,490, plus strand): 5'-CAACCAGCTCCCGAGGCACAGTCTCCGGGAATCGAGTCAGGTTCACAGTCAGCTGGGCGC[A>C]CTTTTTGTAGAAGAGGTGCAGGGATAGCAGGGCCATGCAGGCACCCTGGTCCTGGAAGGC-3'
Protein context (NP_004435.3, residues 187-207): LLSLHLFYKK[Cys197Gly]AQLTVNLTRF

ClinVar aggregate classification (germline): Pathogenic (1 of 4 stars; one submission).

Allele frequency attached by ClinVar (database versions not stated): TOPMed below 0.00001.

Submission:

Labcorp Genetics (formerly Invitae), Labcorp
Classification: Pathogenic. Last evaluated: 2025-11-11. Review status: criteria provided, single submitter. Criteria: Invitae Variant Classification Sherloc (09022015). Collection method: clinical testing. Allele origin: germline.
Comment: This sequence change replaces cysteine, which is neutral and slightly polar, with glycine, which is neutral and non-polar, at codon 197 of the EPHB4 protein (p.Cys197Gly). This variant is not present in population databases (gnomAD no frequency). This missense change has been observed in individual(s) with EPHB4-related conditions (internal data). In at least one individual the variant was observed to be de novo. ClinVar contains an entry for this variant (Variation ID: 2704988). Invitae Evidence Modeling of protein sequence and biophysical properties (such as structural, functional, and spatial information, amino acid conservation, physicochemical variation, residue mobility, and thermodynamic stability) indicates that this missense variant is expected to disrupt EPHB4 protein function with a positive predictive value of 95%. For these reasons, this variant has been classified as Pathogenic.